The following is an entry in ClinVar:

NM_004646.4(NPHS1):c.500C>T (p.Pro167Leu)

Gene: NPHS1 (NPHS1 adhesion molecule, nephrin; minus strand). Cytogenetic location: 19q13.12.
Variant type: single nucleotide variant.
Coding change: c.500C>T on transcript NM_004646.4 (MANE Select); coding-DNA position 500, C replaced by T.
Protein change: p.Pro167Leu; replaces proline 167 with leucine.
Molecular consequence: missense variant.
Genome position (GRCh38, 1-based): chr19:35,850,987, G>A on the plus strand (C>T on the coding strand, the complement: NPHS1 is on the minus strand). VCF-style: chr19-35850987-G-A. GRCh37 (hg19) VCF-style: chr19-36341889-G-A.
Other names: short protein forms P167L.
Identifiers: ClinVar variation 56507 (VCV000056507.6), dbSNP rs386833945, ClinGen allele CA250243.

ClinVar aggregate classification (germline): Likely pathogenic. Review status: criteria provided, multiple submitters, no conflicts (2 of 4 stars). 4 submissions from 4 submitters: Likely pathogenic (2). 2 of the submissions do not count toward it. Last evaluated 2024-03-13.

Conditions:
Finnish congenital nephrotic syndrome (NPHS1). Also called: NEPHROTIC SYNDROME, TYPE 1. Identifiers: Orphanet 839, MedGen C0403399, MONDO:0009732, OMIM 256300.
Nephrotic range proteinuria. Identifiers: MedGen C0445118, HP:0012593.
Steroid-resistant nephrotic syndrome. Identifiers: MedGen C0403397, MONDO:0044765, HP:0012588.
Congenital nephrotic syndrome. Also called: Familial nephrotic syndrome. Identifiers: MedGen C3501848, MeSH C535761, MONDO:0002350, HP:0008677.

Allele frequency attached by ClinVar (database versions not stated): gnomAD exomes below 0.00001; ExAC 0.00001.
gnomAD v4.1: 4 of 1,614,128 alleles (0.00025%); highest among the groups gnomAD compares: South Asian, 0.0022%; no homozygotes.

Submissions (4):

Fulgent Genetics
Classification: Likely pathogenic for Finnish congenital nephrotic syndrome. Last evaluated: 2024-03-13. Review status: criteria provided, single submitter. Criteria: ACMG Guidelines, 2015. Collection method: clinical testing. Allele origin: germline.

Genetics and Genomic Medicine Centre, NeuroGen Healthcare, NeuroGen Healthcare
Classification: Likely pathogenic for Finnish congenital nephrotic syndrome. Last evaluated: 2021-07-05. Review status: criteria provided, single submitter. Criteria: Submitter's publication. Collection method: clinical testing. Allele origin: unknown. Affected: no.

Juha Muilu Group; Institute for Molecular Medicine Finland (FIMM)
Classification: Likely pathogenic for Finnish congenital nephrotic syndrome. Review status: no assertion criteria provided. Collection method: not provided. Allele origin: unknown. Not counted in ClinVar's aggregate classification.
Comment: FinDis database variant: This variant was not found or characterized by our laboratory, data were collected from public sources: see reference
ClinVar note: Converted during submission from probable-pathogenic to Likely pathogenic.

NIHR Bioresource Rare Diseases, University of Cambridge
Classification: Likely pathogenic for Nephrotic range proteinuria; Steroid-resistant nephrotic syndrome; Congenital nephrotic syndrome. Review status: no assertion criteria provided. Collection method: research. Allele origin: unknown. Affected: yes. Observed: 1 variant allele. Not counted in ClinVar's aggregate classification.

Literature cited by the submitters: PubMed 32581362 (cited by NIHR Bioresource Rare Diseases, University of Cambridge).